The following is an entry in ClinVar:

ClinVar aggregate classification (germline): Uncertain significance (1 of 4 stars; one submission).

gnomAD v4.1: 101 of 1,614,034 alleles (0.0063%); highest among the groups gnomAD compares: South Asian, 0.086%; 2 homozygotes.

Submission:

Labcorp Genetics (formerly Invitae), Labcorp
Classification: Uncertain significance. Last evaluated: 2024-03-18. Review status: criteria provided, single submitter. Criteria: Invitae Variant Classification Sherloc (09022015). Collection method: clinical testing. Allele origin: germline.
Comment: This sequence change replaces arginine, which is basic and polar, with glutamine, which is neutral and polar, at codon 594 of the MYH7B protein (p.Arg594Gln). This variant is present in population databases (rs773714865, gnomAD 0.08%), and has an allele count higher than expected for a pathogenic variant. This variant has not been reported in the literature in individuals affected with MYH7B-related conditions. Algorithms developed to predict the effect of missense changes on protein structure and function output the following: SIFT: "Not Available"; PolyPhen-2: "Benign"; Align-GVGD: "Not Available". The glutamine amino acid residue is found in multiple mammalian species, which suggests that this missense change does not adversely affect protein function. In summary, the available evidence is currently insufficient to determine the role of this variant in disease. Therefore, it has been classified as a Variant of Uncertain Significance.

NM_020884.7(MYH7B):c.1655G>A (p.Arg552Gln)

Gene: MYH7B (myosin heavy chain 7B; plus strand). Cytogenetic location: 20q11.22.
Variant type: single nucleotide variant.
Coding change: c.1655G>A on transcript NM_020884.7 (MANE Select); coding-DNA position 1655, G replaced by A.
Protein change: p.Arg552Gln; replaces arginine 552 with glutamine.
Molecular consequence: missense variant.
Genome position (GRCh38, 1-based): chr20:34,989,807, G>A. VCF-style: chr20-34989807-G-A. GRCh37 (hg19) VCF-style: chr20-33577610-G-A.
Other names: short protein forms R552Q.
Identifiers: ClinVar variation 3607373 (VCV003607373.2).
Genomic context (GRCh38, chr20:34,989,807, plus strand): 5'-GCATCCTGTCCATCCTGGAGGAGGAATGCATGTTCCCCAAGGCCTCAGACGCCAGCTTCC[G>A]GGCCAAGCTCTACGACAACCACGCGGGGAAGTCACCCAATTTCCAGCAGCCTCGGCCTGA-3'
Protein context (NP_065935.4, residues 542-562): MFPKASDASF[Arg552Gln]AKLYDNHAGK